The following is an entry in ClinVar:

ClinVar aggregate classification (germline): Uncertain significance. Review status: criteria provided, multiple submitters, no conflicts (2 of 4 stars). 2 submissions from 2 submitters: Uncertain significance (2). Last evaluated 2024-11-01.

Conditions:
Hypertrophic cardiomyopathy 9. Also called: Familial hypertrophic cardiomyopathy 9. Identifiers: MedGen C1861065, MONDO:0013412, OMIM 613765.
Dilated cardiomyopathy 1G (CMD1G). Identifiers: Orphanet 154, MedGen C1858763, MONDO:0011400, OMIM 604145.

Allele frequency attached by ClinVar (database versions not stated): gnomAD exomes 0.00002; TOPMed 0.00002; ExAC 0.00003; gnomAD 0.00003.
gnomAD v4.1: 40 of 1,613,584 alleles (0.0025%); highest among the groups gnomAD compares: Middle Eastern, 0.033%; no homozygotes.

Submissions (2):

CeGaT Center for Human Genetics Tuebingen
Classification: Uncertain significance. Last evaluated: 2024-11-01. Review status: criteria provided, single submitter. Criteria: CeGaT Center For Human Genetics Tuebingen Variant Classification Criteria Version 2. Collection method: clinical testing. Allele origin: germline. Affected: yes. Observed: 4 variant alleles.
Comment: TTN: PM2, PP3

New York Genome Center
Classification: Uncertain significance for Hypertrophic cardiomyopathy 9; Dilated cardiomyopathy 1G. Last evaluated: 2021-07-30. Review status: criteria provided, single submitter. Criteria: NYGC Assertion Criteria 2020. Collection method: clinical testing. Allele origin: germline. Observed: 1 heterozygote.
Comment: The heterozygous c.16985G>A (p.Gly5662Asp) missense variant in the TTN gene has been reported as a VUS in a cohort of adult patientswith left ventricular non-compaction phenotype [the total number of patients with this variant were not provided PMID: 30471092]. The variant has 0.00003287 allele frequency in the gnomAD (v3) database (5 out of 152128 heterozygous alleles, no homozygotes) suggesting it is not a common benign variant in the populations represented in that database. The variant affects a conserved residue [Gly5662] located in the Ig-like 37 domain of TTN gene. The variant is predicted deleterious bymultiple In silico prediction tools (CADD score = 24.3, REVEL score = 0.536). Based on the available evidence, the heterozygous c.16985G>A (p.Gly5662Asp) missense variant identified in the TTN gene is reported as a Variant of Uncertain Significance.

NM_001267550.2(TTN):c.16985G>A (p.Gly5662Asp)

Genes: TTN (titin; minus strand), LOC126806431 (CDK7 strongly-dependent group 2 enhancer GRCh37_chr2:179595719-179596918; plus strand). Cytogenetic location: 2q31.2.
Variant type: single nucleotide variant.
Coding change: c.16985G>A on transcript NM_001267550.2 (MANE Select); coding-DNA position 16985, G replaced by A.
Protein change: p.Gly5662Asp; replaces glycine 5662 with aspartic acid.
Molecular consequence: missense variant. On other transcripts: intron variant (3).
Genome position (GRCh38, 1-based): chr2:178,731,890, C>T on the plus strand (G>A on the coding strand, the complement: TTN is on the minus strand). VCF-style: chr2-178731890-C-T. GRCh37 (hg19) VCF-style: chr2-179596617-C-T.
Other names: c.16034G>A, p.Gly5345Asp (NM_001256850.1); c.13253G>A, p.Gly4418Asp (NM_133378.4); c.13282+6192G>A (NM_003319.4); c.13858+6192G>A (NM_133437.4); c.13657+6192G>A (NM_133432.3); short protein forms G4418D, G5345D, G5662D.
Identifiers: ClinVar variation 1803823 (VCV001803823.25), dbSNP rs760089168, ClinGen allele CA2001932.